The following is an entry in ClinVar:

ClinVar aggregate classification (germline): Uncertain significance (1 of 4 stars; one submission).

Allele frequency attached by ClinVar (database versions not stated): TOPMed 0.00017; gnomAD exomes 0.00018; gnomAD 0.00012; ExAC 0.00026; ESP Exome Variant Server 0.00015.
gnomAD v4.1: 293 of 1,613,880 alleles (0.018%); highest among the groups gnomAD compares: Middle Eastern, 0.13%; 2 homozygotes.

Submission:

Ambry Genetics
Classification: Uncertain significance. Last evaluated: 2026-06-23. Review status: criteria provided, single submitter. Criteria: Ambry Variant Classification Scheme 2023. Collection method: clinical testing. Allele origin: germline.
Comment: The c.557G>A (p.G186D) alteration is located in exon 3 (coding exon 3) of the BPIFB4 gene. This alteration results from a G to A substitution at nucleotide position 557, causing the glycine (G) at amino acid position 186 to be replaced by an aspartic acid (D). Based on data from gnomAD, the A allele has an overall frequency of 0.019% (54/280536) total alleles studied. The highest observed frequency was 0.039% (12/30616) of South Asian alleles. Based on insufficient or conflicting evidence, the clinical significance of this alteration remains unclear.

NM_182519.3(BPIFB4):c.557G>A (p.Gly186Asp)

Gene: BPIFB4 (BPI fold containing family B member 4; plus strand). Cytogenetic location: 20q11.21.
Variant type: single nucleotide variant.
Coding change: c.557G>A on transcript NM_182519.3 (MANE Select); coding-DNA position 557, G replaced by A.
Protein change: p.Gly186Asp; replaces glycine 186 with aspartic acid.
Molecular consequence: missense variant.
Genome position (GRCh38, 1-based): chr20:33,083,754, G>A. VCF-style: chr20-33083754-G-A. GRCh37 (hg19) VCF-style: chr20-31671560-G-A.
Other names: short protein forms G186D.
Identifiers: ClinVar variation 3134852 (VCV003134852.2), dbSNP rs200543830, ClinGen allele CA9814195.
Genomic context (GRCh38, chr20:33,083,754, plus strand): 5'-TGGGCCCAGGTGGTTTGCTGGGCACTGGAGGCATGCTGGCAGCTGATGGCATCCTCGCAG[G>A]CCAAGGTGGCCTGCTCGGCGGAGGTGGTCTCCTTGGTGATGGAGGACTTCTTGGAGGAGG-3'
Protein context (NP_872325.2, residues 176-196): GMLAADGILA[Gly186Asp]QGGLLGGGGL